The following is an entry in ClinVar:

NM_000123.4(ERCC5):c.128G>A (p.Arg43Gln)

Genes: BIVM-ERCC5 (BIVM-ERCC5 readthrough; plus strand), ERCC5 (ERCC excision repair 5, endonuclease; plus strand). Cytogenetic location: 13q33.1.
Variant type: single nucleotide variant.
Coding change: c.128G>A on transcript NM_000123.4 (MANE Select); coding-DNA position 128, G replaced by A.
Protein change: p.Arg43Gln; replaces arginine 43 with glutamine.
Molecular consequence: missense variant.
Genome position (GRCh38, 1-based): chr13:102,852,157, G>A. VCF-style: chr13-102852157-G-A. GRCh37 (hg19) VCF-style: chr13-103504507-G-A.
Other names: c.1490G>A, p.Arg497Gln (NM_001204425.2); short protein forms R43Q, R497Q.
Identifiers: ClinVar variation 2661926 (VCV002661926.1), dbSNP rs758174644, ClinGen allele CA7041058.
Genomic context (GRCh38, chr13:102,852,157, plus strand): 5'-TTCCATTAACAATTCTCCCAGATATTAGCATTTGGTTAAACCAAGCACTTAAAGGAGTCC[G>A]GGATCGCCATGGGAACTCAATAGAAAATCCTCATCTTCTCACTTTGTTTCATCGGCTCTG-3'
Protein context (NP_000114.3, residues 33-53): IWLNQALKGV[Arg43Gln]DRHGNSIENP

ClinVar aggregate classification (germline): Uncertain significance (1 of 4 stars; one submission).

Allele frequency attached by ClinVar (database versions not stated): gnomAD exomes 0.00001; ExAC 0.00002; gnomAD 0.00002; TOPMed 0.00002.

Submission:

GeneDx
Classification: Uncertain significance. Last evaluated: 2023-04-26. Review status: criteria provided, single submitter. Criteria: GeneDx Variant Classification Process June 2021. Collection method: clinical testing. Allele origin: germline. Affected: yes.
Comment: Not observed at significant frequency in large population cohorts (gnomAD); In silico analysis supports that this missense variant has a deleterious effect on protein structure/function; Has not been previously published as pathogenic or benign to our knowledge